The following is an entry in ClinVar:

ClinVar aggregate classification (germline): Likely benign. Review status: criteria provided, multiple submitters, no conflicts (2 of 4 stars). 3 submissions from 3 submitters: Likely benign (3). Last evaluated 2026-06-01.

Conditions:
Inborn genetic diseases. Identifiers: MedGen C0950123, MeSH D030342.

Allele frequency attached by ClinVar (database versions not stated): TOPMed 0.00009; ESP Exome Variant Server 0.00024.

Submissions (3):

CeGaT Center for Human Genetics Tuebingen
Classification: Likely benign. Last evaluated: 2026-06-01. Review status: criteria provided, single submitter. Criteria: CeGaT Center For Human Genetics Tuebingen Variant Classification Criteria Version 2. Collection method: clinical testing. Allele origin: germline. Affected: yes. Observed: 4 variant alleles.
Comment: KMT2B: BP4

Labcorp Genetics (formerly Invitae), Labcorp
Classification: Likely benign. Last evaluated: 2025-10-28. Review status: criteria provided, single submitter. Criteria: Invitae Variant Classification Sherloc (09022015). Collection method: clinical testing. Allele origin: germline.

Ambry Genetics
Classification: Likely benign for Inborn genetic diseases. Last evaluated: 2022-02-03. Review status: criteria provided, single submitter. Criteria: Ambry Variant Classification Scheme 2023. Collection method: clinical testing. Allele origin: germline.

NM_014727.3(KMT2B):c.5792C>A (p.Pro1931His)

Gene: KMT2B (lysine methyltransferase 2B; plus strand). Cytogenetic location: 19q13.12.
Variant type: single nucleotide variant.
Coding change: c.5792C>A on transcript NM_014727.3 (MANE Select); coding-DNA position 5792, C replaced by A.
Protein change: p.Pro1931His; replaces proline 1931 with histidine.
Molecular consequence: missense variant.
Genome position (GRCh38, 1-based): chr19:35,732,341, C>A. VCF-style: chr19-35732341-C-A. GRCh37 (hg19) VCF-style: chr19-36223242-C-A.
Other names: c.5792C>A (NM_014727.1); short protein forms P1931H.
Identifiers: ClinVar variation 932359 (VCV000932359.44), dbSNP rs201672736, ClinGen allele CA9385540.